The following is an entry in ClinVar:

NM_005918.4(MDH2):c.397C>G (p.Pro133Ala)

Gene: MDH2 (malate dehydrogenase 2; plus strand). Cytogenetic location: 7q11.23.
Variant type: single nucleotide variant.
Coding change: c.397C>G on transcript NM_005918.4 (MANE Select); coding-DNA position 397, C replaced by G.
Protein change: p.Pro133Ala; replaces proline 133 with alanine.
Molecular consequence: missense variant.
Genome position (GRCh38, 1-based): chr7:76,058,046, C>G. VCF-style: chr7-76058046-C-G. GRCh37 (hg19) VCF-style: chr7-75687364-C-G.
Other names: c.397C>G, p.Pro133Ala (NM_001282403.2); c.76C>G, p.Pro26Ala (NM_001282404.2); short protein forms P133A, P26A.
Identifiers: ClinVar variation 1353605 (VCV001353605.3), dbSNP rs1446009960, ClinGen allele CA367764413.

ClinVar aggregate classification (germline): Uncertain significance (1 of 4 stars; one submission).

Allele frequency attached by ClinVar (database versions not stated): gnomAD 0.00001; gnomAD exomes 0.00001; TOPMed below 0.00001.
gnomAD v4.1: 4 of 1,613,652 alleles (0.00025%); highest among the groups gnomAD compares: Non-Finnish European, 0.00034%; no homozygotes.

Submission:

Labcorp Genetics (formerly Invitae), Labcorp
Classification: Uncertain significance. Last evaluated: 2021-11-26. Review status: criteria provided, single submitter. Criteria: Invitae Variant Classification Sherloc (09022015). Collection method: clinical testing. Allele origin: germline.
Comment: This sequence change replaces proline, which is neutral and non-polar, with alanine, which is neutral and non-polar, at codon 133 of the MDH2 protein (p.Pro133Ala). This variant is not present in population databases (gnomAD no frequency). This variant has not been reported in the literature in individuals affected with MDH2-related conditions. Algorithms developed to predict the effect of missense changes on protein structure and function (SIFT, PolyPhen-2, Align-GVGD) all suggest that this variant is likely to be disruptive. This variant disrupts the p.Pro133 amino acid residue in MDH2. Other variant(s) that disrupt this residue have been determined to be pathogenic (PMID: 27989324). This suggests that this residue is clinically significant, and that variants that disrupt this residue are likely to be disease-causing. In summary, the available evidence is currently insufficient to determine the role of this variant in disease. Therefore, it has been classified as a Variant of Uncertain Significance.

Literature cited by the submitters: PubMed 27989324.